The following is an entry in ClinVar:

ClinVar aggregate classification (germline): Uncertain significance. Review status: criteria provided, multiple submitters, no conflicts (2 of 4 stars). 3 submissions from 3 submitters: Uncertain significance (3). Last evaluated 2025-11-19.

Conditions:
SLC5A2-related disorder. Also called: SLC5A2-related condition.
Familial renal glucosuria (GLYS). Also called: RENAL GLUCOSURIA, AUTOSOMAL DOMINANT; Familial renal glycosuria. Identifiers: Orphanet 69076, MedGen C3245525, MONDO:0009297, OMIM 233100.
Inborn genetic diseases. Identifiers: MedGen C0950123, MeSH D030342.

gnomAD v4.1: 29 of 1,609,352 alleles (0.0018%); highest among the groups gnomAD compares: Non-Finnish European, 0.0025%; no homozygotes.

Submissions (3):

PreventionGenetics, part of Exact Sciences
Classification: Uncertain significance for SLC5A2-related condition. Last evaluated: 2025-11-19. Review status: criteria provided, single submitter. Criteria: ACMG Guidelines, 2015. Collection method: clinical testing. Allele origin: germline.
Comment: The SLC5A2 c.1114A>G variant is predicted to result in the amino acid substitution p.Lys372Glu. To our knowledge, this variant has not been reported in the literature. This variant is reported in 0.0025% of alleles in individuals of European (Non-Finnish) descent in gnomAD. At this time, the clinical significance of this variant is uncertain due to the absence of conclusive functional and genetic evidence.

Ambry Genetics
Classification: Uncertain significance for Inborn genetic diseases. Last evaluated: 2024-08-15. Review status: criteria provided, single submitter. Criteria: Ambry Variant Classification Scheme 2023. Collection method: clinical testing. Allele origin: germline.

Fulgent Genetics
Classification: Uncertain significance for Familial renal glucosuria. Last evaluated: 2024-05-03. Review status: criteria provided, single submitter. Criteria: ACMG Guidelines, 2015. Collection method: clinical testing. Allele origin: germline.

NM_003041.4(SLC5A2):c.1114A>G (p.Lys372Glu)

Gene: SLC5A2 (solute carrier family 5 member 2; plus strand). Cytogenetic location: 16p11.2.
Variant type: single nucleotide variant.
Coding change: c.1114A>G on transcript NM_003041.4 (MANE Select); coding-DNA position 1114, A replaced by G.
Protein change: p.Lys372Glu; replaces lysine 372 with glutamic acid.
Molecular consequence: missense variant. On other transcripts: non-coding transcript variant (1).
Genome position (GRCh38, 1-based): chr16:31,488,475, A>G. VCF-style: chr16-31488475-A-G. GRCh37 (hg19) VCF-style: chr16-31499796-A-G.
Other names: short protein forms K372E.
Identifiers: ClinVar variation 3444860 (VCV003444860.3).